The following is an entry in ClinVar:

ClinVar aggregate classification (germline): Uncertain significance (1 of 4 stars; one submission).

Conditions:
Hyperphosphatasia with impaired intellectual development syndrome 2. Also called: Hyperphosphatasia with intellectual disability syndrome 2; GLYCOSYLPHOSPHATIDYLINOSITOL BIOSYNTHESIS DEFECT 6. Identifiers: Orphanet 247262, MedGen C3553637, MONDO:0013882, OMIM 614749.

Allele frequency attached by ClinVar (database versions not stated): gnomAD 0.00001; gnomAD exomes 0.00001 and 0.00002; ExAC 0.00003; TOPMed below 0.00001.

Submission:

Labcorp Genetics (formerly Invitae), Labcorp
Classification: Uncertain significance for Hyperphosphatasia with impaired intellectual development syndrome 2. Last evaluated: 2023-08-30. Review status: criteria provided, single submitter. Criteria: Invitae Variant Classification Sherloc (09022015). Collection method: clinical testing. Allele origin: germline.
Comment: In summary, the available evidence is currently insufficient to determine the role of this variant in disease. Therefore, it has been classified as a Variant of Uncertain Significance. Advanced modeling of protein sequence and biophysical properties (such as structural, functional, and spatial information, amino acid conservation, physicochemical variation, residue mobility, and thermodynamic stability) performed at Invitae indicates that this missense variant is not expected to disrupt PIGO protein function. ClinVar contains an entry for this variant (Variation ID: 1045357). This variant has not been reported in the literature in individuals affected with PIGO-related conditions. This variant is present in population databases (rs769886723, gnomAD 0.02%). This sequence change replaces methionine, which is neutral and non-polar, with isoleucine, which is neutral and non-polar, at codon 177 of the PIGO protein (p.Met177Ile).

NM_032634.4(PIGO):c.531G>A (p.Met177Ile)

Gene: PIGO (phosphatidylinositol glycan anchor biosynthesis class O; minus strand). Cytogenetic location: 9p13.3.
Variant type: single nucleotide variant.
Coding change: c.531G>A on transcript NM_032634.4 (MANE Select); coding-DNA position 531, G replaced by A.
Protein change: p.Met177Ile; replaces methionine 177 with isoleucine.
Molecular consequence: missense variant.
Genome position (GRCh38, 1-based): chr9:35,094,340, C>T on the plus strand (G>A on the coding strand, the complement: PIGO is on the minus strand). VCF-style: chr9-35094340-C-T. GRCh37 (hg19) VCF-style: chr9-35094337-C-T.
Other names: c.531G>A, p.Met177Ile (NM_001201484.2, NM_152850.4); short protein forms M177I.
Identifiers: ClinVar variation 1045357 (VCV001045357.6), dbSNP rs769886723, ClinGen allele CA5040907.